The following is an entry in ClinVar:

ClinVar aggregate classification (germline): Uncertain significance (1 of 4 stars; one submission).

Conditions:
Cardiovascular phenotype. Identifiers: MedGen CN230736.

gnomAD v4.1: 5 of 1,598,518 alleles (0.00031%); highest among the groups gnomAD compares: Non-Finnish European, 0.00026%; no homozygotes.

Submission:

Ambry Genetics
Classification: Uncertain significance for Cardiovascular phenotype. Last evaluated: 2024-07-24. Review status: criteria provided, single submitter. Criteria: Ambry Variant Classification Scheme 2023. Collection method: clinical testing. Allele origin: germline.
Comment: The p.L169P variant (also known as c.506T>C), located in coding exon 6 of the NEXN gene, results from a T to C substitution at nucleotide position 506. The leucine at codon 169 is replaced by proline, an amino acid with similar properties. This amino acid position is conserved. In addition, the in silico prediction for this alteration is inconclusive. Based on the available evidence, the clinical significance of this variant remains unclear.

NM_144573.4(NEXN):c.506T>C (p.Leu169Pro)

Gene: NEXN (nexilin F-actin binding protein; plus strand). Cytogenetic location: 1p31.1.
Variant type: single nucleotide variant.
Coding change: c.506T>C on transcript NM_144573.4 (MANE Select); coding-DNA position 506, T replaced by C.
Protein change: p.Leu169Pro; replaces leucine 169 with proline.
Molecular consequence: missense variant.
Genome position (GRCh38, 1-based): chr1:77,926,430, T>C. VCF-style: chr1-77926430-T-C. GRCh37 (hg19) VCF-style: chr1-78392115-T-C.
Other names: c.314T>C, p.Leu105Pro (NM_001172309.2); short protein forms L169P, L105P.
Identifiers: ClinVar variation 3404556 (VCV003404556.1).